The following is an entry in ClinVar:

NM_000393.5(COL5A2):c.3039+7A>G

Gene: COL5A2 (collagen type V alpha 2 chain; minus strand). Cytogenetic location: 2q32.2.
Variant type: single nucleotide variant.
Coding change: c.3039+7A>G on transcript NM_000393.5 (MANE Select); 7 bases into the intron after coding-DNA position 3039, A replaced by G.
Molecular consequence: intron variant.
Genome position (GRCh38, 1-based): chr2:189,050,562, T>C on the plus strand (A>G on the coding strand, the complement: COL5A2 is on the minus strand). VCF-style: chr2-189050562-T-C. GRCh37 (hg19) VCF-style: chr2-189915288-T-C.
Other names: p.?.
Identifiers: ClinVar variation 213082 (VCV000213082.12), dbSNP rs369227715, ClinGen allele CA321754.

ClinVar aggregate classification (germline): Benign/Likely benign. Review status: criteria provided, multiple submitters, no conflicts (2 of 4 stars). 3 submissions from 3 submitters: Benign (1); Likely benign (2). Last evaluated 2026-01-06.

Conditions:
Ehlers-Danlos syndrome, classic type, 1 (EDSCL1). Also called: Ehlers-Danlos Syndrome, Classic Type, COL5A1-Related; EHLERS-DANLOS SYNDROME, GRAVIS TYPE; EHLERS-DANLOS SYNDROME, SEVERE CLASSIC TYPE; Ehlers-Danlos syndrome, type 1; EDS I. Identifiers: MedGen C0268335, MONDO:0019567, OMIM 130000.

Allele frequency attached by ClinVar (database versions not stated): ExAC 0.00005; gnomAD 0.00009 and 0.00010; 1000 Genomes Project 0.00020; 1000 Genomes Project 30x 0.00031; ESP Exome Variant Server 0.00008; gnomAD exomes 0.00001; TOPMed 0.00008.
gnomAD v4.1: 23 of 1,545,416 alleles (0.0015%); highest among the groups gnomAD compares: African/African-American, 0.03%; no homozygotes.

Submissions (3):

Labcorp Genetics (formerly Invitae), Labcorp
Classification: Likely benign for Ehlers-Danlos syndrome, classic type, 1. Last evaluated: 2026-01-06. Review status: criteria provided, single submitter. Criteria: Invitae Variant Classification Sherloc (09022015). Collection method: clinical testing. Allele origin: germline.

Mayo Clinic Laboratories, Mayo Clinic
Classification: Likely benign. Last evaluated: 2025-03-25. Review status: criteria provided, single submitter. Criteria: ACMG Guidelines, 2015. Collection method: clinical testing. Allele origin: germline. Observed: 1 variant allele.
Comment: BP4, BP7

GeneDx
Classification: Benign. Last evaluated: 2014-12-11. Review status: criteria provided, single submitter. Criteria: GeneDx Variant Classification (06012015). Collection method: clinical testing. Allele origin: germline. Affected: yes.
Comment: This variant is considered likely benign or benign based on one or more of the following criteria: it is a conservative change, it occurs at a poorly conserved position in the protein, it is predicted to be benign by multiple in silico algorithms, and/or has population frequency not consistent with disease.